The following is an entry in ClinVar:

ClinVar aggregate classification (germline): Uncertain significance. Review status: criteria provided, multiple submitters, no conflicts (2 of 4 stars). 2 submissions from 2 submitters: Uncertain significance (2). Last evaluated 2025-10-21.

Conditions:
Primary ciliary dyskinesia. Also called: Ciliary dyskinesia. Identifiers: Orphanet 244, MedGen C0008780, MONDO:0016575, HP:0012265.
Primary ciliary dyskinesia 6. Also called: Primary Ciliary Dyskinesia 6: TXNDC3-Related Primary Ciliary Dyskinesia. Identifiers: Orphanet 244, MedGen C1970506, MONDO:0012571, OMIM 610852.

Allele frequency attached by ClinVar (database versions not stated): gnomAD 0.00001; gnomAD exomes 0.00001; TOPMed 0.00001.
gnomAD v4.1: 20 of 1,612,662 alleles (0.0012%); highest among the groups gnomAD compares: Non-Finnish European, 0.0015%; no homozygotes.

Submissions (2):

Labcorp Genetics (formerly Invitae), Labcorp
Classification: Uncertain significance for Primary ciliary dyskinesia 6. Last evaluated: 2025-10-21. Review status: criteria provided, single submitter. Criteria: Invitae Variant Classification Sherloc (09022015). Collection method: clinical testing. Allele origin: germline.
Comment: This sequence change replaces asparagine, which is neutral and polar, with serine, which is neutral and polar, at codon 199 of the NME8 protein (p.Asn199Ser). This variant is present in population databases (no rsID available, gnomAD 0.003%). This variant has not been reported in the literature in individuals affected with NME8-related conditions. ClinVar contains an entry for this variant (Variation ID: 2062323). Invitae Evidence Modeling of protein sequence and biophysical properties (such as structural, functional, and spatial information, amino acid conservation, physicochemical variation, residue mobility, and thermodynamic stability) indicates that this missense variant is not expected to disrupt NME8 protein function with a negative predictive value of 80%. In summary, the available evidence is currently insufficient to determine the role of this variant in disease. Therefore, it has been classified as a Variant of Uncertain Significance.

Ambry Genetics
Classification: Uncertain significance for Primary ciliary dyskinesia. Last evaluated: 2024-08-12. Review status: criteria provided, single submitter. Criteria: Ambry Variant Classification Scheme 2023. Collection method: clinical testing. Allele origin: germline.

NM_016616.5(NME8):c.596A>G (p.Asn199Ser)

Gene: NME8 (NME/NM23 family member 8; plus strand). Cytogenetic location: 7p14.1.
Variant type: single nucleotide variant.
Coding change: c.596A>G on transcript NM_016616.5 (MANE Select); coding-DNA position 596, A replaced by G.
Protein change: p.Asn199Ser; replaces asparagine 199 with serine.
Molecular consequence: missense variant.
Genome position (GRCh38, 1-based): chr7:37,865,592, A>G. VCF-style: chr7-37865592-A-G. GRCh37 (hg19) VCF-style: chr7-37905194-A-G.
Other names: c.596A>G (NM_016616.4); short protein forms N199S.
Identifiers: ClinVar variation 2062323 (VCV002062323.7), dbSNP rs1420353131, ClinGen allele CA367222147.